The following is an entry in ClinVar:

ClinVar aggregate classification (germline): Pathogenic (1 of 4 stars; one submission).

Conditions:
Familial intrahepatic cholestasis. Identifiers: Orphanet 284385, MedGen CN296401, MONDO:0017290.

Submission:

Genomenon, Inc
Classification: Pathogenic for Familial intrahepatic cholestasis. Last evaluated: 2026-04-14. Review status: criteria provided, single submitter. Criteria: Genomenon Sequence Variant Interpretation Standards - Updated. Collection method: curation. Allele origin: germline. Affected: yes.
Comment: ATP8B1 p.Trp371Ter (c.1112G>A) is a nonsense variant that introduces a premature stop codon at amino acid position 371, creating a truncated protein that is predicted to undergo nonsense-mediated mRNA decay. This variant has been observed in at least one proband with features of ATP8B1-deficiency (PMID:41165782). It is absent or not present at a significant frequency in gnomAD. In conclusion, we classify ATP8B1 p.Trp371Ter (c.1112G>A) as a pathogenic variant.

Literature cited by the submitters: PubMed 41165782.

NM_001374385.1(ATP8B1):c.1112G>A (p.Trp371Ter)

Gene: ATP8B1 (ATPase phospholipid transporting 8B1; minus strand). Cytogenetic location: 18q21.31.
Variant type: single nucleotide variant.
Coding change: c.1112G>A on transcript NM_001374385.1 (MANE Select); coding-DNA position 1112, G replaced by A.
Protein change: p.Trp371Ter; replaces tryptophan 371 with a stop codon.
Molecular consequence: nonsense.
Genome position (GRCh38, 1-based): chr18:57,691,915, C>T on the plus strand (G>A on the coding strand, the complement: ATP8B1 is on the minus strand). VCF-style: chr18-57691915-C-T. GRCh37 (hg19) VCF-style: chr18-55359147-C-T.
Other names: c.1112G>A, p.Trp371Ter (NM_005603.6); c.962G>A, p.Trp321Ter (NM_001374386.1); short protein forms W321*, W371*.
Identifiers: ClinVar variation 4846310 (VCV004846310.1).